The following is an entry in ClinVar:

ClinVar aggregate classification (germline): Benign/Likely benign. Review status: criteria provided, multiple submitters, no conflicts (2 of 4 stars). 15 submissions from 15 submitters: Benign (10); Likely benign (3). 2 of the submissions do not count toward it. Last evaluated 2026-03-27.

Conditions:
Ehlers-Danlos syndrome, classic type, 1 (EDSCL1). Also called: Ehlers-Danlos syndrome, type 1; Ehlers-Danlos Syndrome, Classic Type, COL5A1-Related; EDS I; EHLERS-DANLOS SYNDROME, GRAVIS TYPE; EHLERS-DANLOS SYNDROME, SEVERE CLASSIC TYPE. Identifiers: MedGen C0268335, MONDO:0019567, OMIM 130000.
Ehlers-Danlos syndrome, classic type, 2 (EDSCL2). Also called: Ehlers-Danlos syndrome, type 2; Ehlers-Danlos Syndrome, Classic Type, COL5A2-Related; Ehlers-Danlos syndrome type 2 (formerly). Identifiers: Orphanet 287, Orphanet 90318, MedGen C0268336, MONDO:0019568, OMIM 130010.
Ehlers-Danlos syndrome (EDS). Identifiers: Orphanet 98249, MedGen C0013720, MONDO:0020066.
Familial thoracic aortic aneurysm and aortic dissection (TAAD). Also called: Thoracic aortic aneurysms and dissections. Identifiers: Orphanet 91387, MedGen C4707243, MONDO:0019625.

Allele frequency attached by ClinVar (database versions not stated): 1000 Genomes Project 0.00998; 1000 Genomes Project 30x 0.01031; gnomAD 0.01714; TOPMed 0.01982; ESP Exome Variant Server 0.02053.
gnomAD v4.1: 40,448 of 1,605,532 alleles (2.5%); highest among the groups gnomAD compares: Middle Eastern, 3.8%; 568 homozygotes.

Submissions (15):

Molecular Diagnostic Laboratory for Inherited Cardiovascular Disease, Montreal Heart Institute
Classification: Likely benign. Last evaluated: 2026-03-27. Review status: criteria provided, single submitter. Criteria: ACMG Guidelines, 2015. Collection method: clinical testing. Allele origin: germline. Affected: no.
Comment: BS1;BP4

Labcorp Genetics (formerly Invitae), Labcorp
Classification: Benign for Ehlers-Danlos syndrome, classic type, 1. Last evaluated: 2026-02-04. Review status: criteria provided, single submitter. Criteria: Invitae Variant Classification Sherloc (09022015). Collection method: clinical testing. Allele origin: germline.

ARUP Laboratories, Molecular Genetics and Genomics, ARUP Laboratories
Classification: Benign for Ehlers-Danlos syndrome, classic type, 2. Last evaluated: 2025-07-23. Review status: criteria provided, single submitter. Criteria: ARUP Molecular Germline Variant Investigation Process 2024. Collection method: clinical testing. Allele origin: germline.

Blueprint Genetics
Classification: Likely benign. Last evaluated: 2024-11-26. Review status: criteria provided, single submitter. Criteria: ACMG Guidelines, 2015. Collection method: clinical testing. Allele origin: germline.

Mayo Clinic Laboratories, Mayo Clinic
Classification: Benign. Last evaluated: 2023-07-17. Review status: criteria provided, single submitter. Criteria: ACMG Guidelines, 2015. Collection method: clinical testing. Allele origin: germline. Observed: 281 variant alleles.
Comment: BS1, BS2

Genome Diagnostics Laboratory, The Hospital for Sick Children
Classification: Benign for Ehlers-Danlos syndrome. Last evaluated: 2022-05-21. Review status: criteria provided, single submitter. Criteria: ACMG Guidelines, 2015. Collection method: clinical testing. Allele origin: germline.

Illumina Laboratory Services, Illumina
Classification: Benign for Ehlers-Danlos syndrome, classic type, 2. Last evaluated: 2018-01-13. Review status: criteria provided, single submitter. Criteria: ICSL Variant Classification Criteria 13 December 2019. Collection method: clinical testing. Allele origin: germline.
Comment: This variant was observed in the ICSL laboratory as part of a predisposition screen in an ostensibly healthy population. It had not been previously curated by ICSL or reported in the Human Gene Mutation Database (HGMD: prior to June 1st, 2018), and was therefore a candidate for classification through an automated scoring system. Utilizing variant allele frequency, disease prevalence and penetrance estimates, and inheritance mode, an automated score was calculated to assess if this variant is too frequent to cause the disease. Based on the score and internal cut-off values, a variant classified as benign is not then subjected to further curation. The score for this variant resulted in a classification of benign for this disease.

Women's Health and Genetics/Laboratory Corporation of America, LabCorp
Classification: Benign. Last evaluated: 2017-03-21. Review status: criteria provided, single submitter. Criteria: LabCorp Variant Classification Summary - May 2015. Collection method: clinical testing. Allele origin: germline.
Comment: Variant summary: The COL5A2 c.1081A>C (p.Met361Leu) variant causes a missense change involving the alteration of a conserved nucleotide. 3/3 in silico tools predict a benign outcome (SNPs&GO and MutationTaster not captured here due to low reliability index and p-value, respectively). This variant has been observed in a large, broad control population, ExAC, in 2216/120978 control chromosomes (38 homozygotes) at a frequency of 0.0183174, which is approximately 2931 times the estimated maximal expected allele frequency of a pathogenic COL5A2 variant (0.0000063), suggesting this variant is likely a benign polymorphism. In addition, multiple clinical diagnostic laboratories/reputable databases classified this variant as benign. The variant of interest has not, to our knowledge, been reported in affected individuals via publications; nor evaluated for functional impact by in vivo/vitro studies. Taken together, this variant is classified as benign.

Eurofins Ntd Llc (ga)
Classification: Benign. Last evaluated: 2015-11-20. Review status: criteria provided, single submitter. Criteria: EGL Classification Definitions 2015. Collection method: clinical testing. Allele origin: germline. Observed: 1 variant allele, 1 heterozygote.

Ambry Genetics
Classification: Benign for Familial thoracic aortic aneurysm and aortic dissection. Last evaluated: 2015-02-06. Review status: criteria provided, single submitter. Criteria: Ambry Variant Classification Scheme 2023. Collection method: clinical testing. Allele origin: germline.

GeneDx
Classification: Benign. Last evaluated: 2013-02-25. Review status: criteria provided, single submitter. Criteria: GeneDx Variant Classification (06012015). Collection method: clinical testing. Allele origin: germline. Affected: yes.
Comment: This variant is considered likely benign or benign based on one or more of the following criteria: it is a conservative change, it occurs at a poorly conserved position in the protein, it is predicted to be benign by multiple in silico algorithms, and/or has population frequency not consistent with disease.

Breakthrough Genomics
Classification: Likely benign. Review status: criteria provided, single submitter. Criteria: ACMG Guidelines, 2015. Collection method: not provided. Allele origin: germline. Inheritance: Autosomal dominant inheritance. Affected: yes.

PreventionGenetics, part of Exact Sciences
Classification: Benign. Review status: criteria provided, single submitter. Criteria: ACMG Guidelines, 2015. Collection method: clinical testing. Allele origin: germline.

Genome Diagnostics Laboratory, Amsterdam University Medical Center
Classification: Benign. Review status: no assertion criteria provided. Collection method: clinical testing. Allele origin: germline. Affected: yes. Study: VKGL Data-share Consensus. Not counted in ClinVar's aggregate classification.

Genome Diagnostics Laboratory, University Medical Center Utrecht
Classification: Benign. Review status: no assertion criteria provided. Collection method: clinical testing. Allele origin: germline. Affected: yes. Study: VKGL Data-share Consensus. Not counted in ClinVar's aggregate classification.

Literature cited by the submitters: PubMed 33974636 (cited by Mayo Clinic Laboratories, Mayo Clinic).

NM_000393.5(COL5A2):c.1081A>C (p.Met361Leu)

Gene: COL5A2 (collagen type V alpha 2 chain; minus strand). Cytogenetic location: 2q32.2.
Variant type: single nucleotide variant.
Coding change: c.1081A>C on transcript NM_000393.5 (MANE Select); coding-DNA position 1081, A replaced by C.
Protein change: p.Met361Leu; replaces methionine 361 with leucine.
Molecular consequence: missense variant.
Genome position (GRCh38, 1-based): chr2:189,075,416, T>G on the plus strand (A>C on the coding strand, the complement: COL5A2 is on the minus strand). VCF-style: chr2-189075416-T-G. GRCh37 (hg19) VCF-style: chr2-189940142-T-G.
Other names: p.M361L:ATG>CTG; c.1081A>C (NM_000393.4); short protein forms M361L.
Identifiers: ClinVar variation 136935 (VCV000136935.47), dbSNP rs76148000, ClinGen allele CA290365.
Genomic context (GRCh38, chr2:189,075,416, plus strand): 5'-TAAATTAATGAATTAATATGAAAATAATATAACTCACCATTGGTCCAGGTTTTCCAGGCA[T>G]ACCATGTGCACCTCGTTGTCCCTAATTAAGAGAAAAAGAGACAAGACAGGATAAGATTAC-3'
Protein context (NP_000384.2, residues 351-371): GAPGQRGAHG[Met361Leu]PGKPGPMGPL